The following is an entry in ClinVar:

NM_000484.4(APP):c.1366A>G (p.Thr456Ala)

Gene: APP (amyloid beta precursor protein; minus strand). Cytogenetic location: 21q21.3.
Variant type: single nucleotide variant.
Coding change: c.1366A>G on transcript NM_000484.4 (MANE Select); coding-DNA position 1366, A replaced by G.
Protein change: p.Thr456Ala; replaces threonine 456 with alanine.
Molecular consequence: missense variant.
Genome position (GRCh38, 1-based): chr21:25,975,162, T>C on the plus strand (A>G on the coding strand, the complement: APP is on the minus strand). VCF-style: chr21-25975162-T-C. GRCh37 (hg19) VCF-style: chr21-27347475-T-C.
Other names: c.1294A>G, p.Thr432Ala (NM_001136016.3); c.973A>G, p.Thr325Ala (NM_001136129.3); c.1198A>G, p.Thr400Ala (NM_001136130.3, NM_001385253.1); c.1036A>G, p.Thr346Ala (NM_001136131.3); c.1366A>G, p.Thr456Ala (NM_001204301.2); c.1309A>G, p.Thr437Ala (NM_001204302.2, NM_201413.3); c.1141A>G, p.Thr381Ala (NM_001204303.2, NM_201414.3); short protein forms T437A, T325A, T346A, T432A, T381A, T400A, T456A.
Identifiers: ClinVar variation 2884834 (VCV002884834.3), dbSNP rs2516570822, ClinGen allele CA409809590.

ClinVar aggregate classification (germline): Uncertain significance (1 of 4 stars; one submission).

Conditions:
Alzheimer disease. Also called: Alzheimer's disease; Presenile and senile dementia. Identifiers: Orphanet 1020, MedGen C0002395, MeSH D000544, MONDO:0004975, HP:0002511.

Submission:

Labcorp Genetics (formerly Invitae), Labcorp
Classification: Uncertain significance for Alzheimer disease. Last evaluated: 2023-10-27. Review status: criteria provided, single submitter. Criteria: Invitae Variant Classification Sherloc (09022015). Collection method: clinical testing. Allele origin: germline.
Comment: This sequence change replaces threonine, which is neutral and polar, with alanine, which is neutral and non-polar, at codon 456 of the APP protein (p.Thr456Ala). This variant is not present in population databases (gnomAD no frequency). This variant has not been reported in the literature in individuals affected with APP-related conditions. Advanced modeling of protein sequence and biophysical properties (such as structural, functional, and spatial information, amino acid conservation, physicochemical variation, residue mobility, and thermodynamic stability) performed at Invitae indicates that this missense variant is not expected to disrupt APP protein function with a negative predictive value of 95%. In summary, the available evidence is currently insufficient to determine the role of this variant in disease. Therefore, it has been classified as a Variant of Uncertain Significance.